The following is an entry in ClinVar:

ClinVar aggregate classification (germline): Uncertain significance (1 of 4 stars; one submission).

Conditions:
Inborn genetic diseases. Identifiers: MedGen C0950123, MeSH D030342.

Submission:

Ambry Genetics
Classification: Uncertain significance for Inborn genetic diseases. Last evaluated: 2024-03-30. Review status: criteria provided, single submitter. Criteria: Ambry Variant Classification Scheme 2023. Collection method: clinical testing. Allele origin: germline.
Comment: The p.L826R variant (also known as c.2477T>G), located in coding exon 16 of the EPAS1 gene, results from a T to G substitution at nucleotide position 2477. The leucine at codon 826 is replaced by arginine, an amino acid with dissimilar properties. This amino acid position is conserved. In addition, this alteration is predicted to be deleterious by in silico analysis. Based on the available evidence, the clinical significance of this alteration remains unclear.

NM_001430.5(EPAS1):c.2477T>G (p.Leu826Arg)

Gene: EPAS1 (endothelial PAS domain protein 1; plus strand). Cytogenetic location: 2p21.
Variant type: single nucleotide variant.
Coding change: c.2477T>G on transcript NM_001430.5 (MANE Select); coding-DNA position 2477, T replaced by G.
Protein change: p.Leu826Arg; replaces leucine 826 with arginine.
Molecular consequence: missense variant.
Genome position (GRCh38, 1-based): chr2:46,384,524, T>G. VCF-style: chr2-46384524-T-G. GRCh37 (hg19) VCF-style: chr2-46611663-T-G.
Other names: short protein forms L826R.
Identifiers: ClinVar variation 3275691 (VCV003275691.1).